The following is an entry in ClinVar:

ClinVar aggregate classification (germline): Uncertain significance (1 of 4 stars; one submission).

Conditions:
Cardiovascular phenotype. Identifiers: MedGen CN230736.

Submission:

Ambry Genetics
Classification: Uncertain significance for Cardiovascular phenotype. Last evaluated: 2026-02-10. Review status: criteria provided, single submitter. Criteria: Ambry Variant Classification Scheme 2023. Collection method: clinical testing. Allele origin: germline.
Comment: The p.E1684K variant (also known as c.5050G>A), located in coding exon 33 of the MYH7 gene, results from a G to A substitution at nucleotide position 5050. The glutamic acid at codon 1684 is replaced by lysine, an amino acid with similar properties. This amino acid position is highly conserved in available vertebrate species. In addition, this alteration is predicted to be deleterious by in silico analysis. Based on the available evidence, the clinical significance of this variant remains unclear.

NM_000257.4(MYH7):c.5050G>A (p.Glu1684Lys)

Genes: MHRT (myosin heavy chain associated RNA transcript; plus strand), MYH7 (myosin heavy chain 7; minus strand), LOC126861897 (BRD4-independent group 4 enhancer GRCh37_chr14:23884455-23885654; plus strand). Cytogenetic location: 14q11.2.
Variant type: single nucleotide variant.
Coding change: c.5050G>A on transcript NM_000257.4 (MANE Select); coding-DNA position 5050, G replaced by A.
Protein change: p.Glu1684Lys; replaces glutamic acid 1684 with lysine.
Molecular consequence: missense variant. On other transcripts: non-coding transcript variant (1).
Genome position (GRCh38, 1-based): chr14:23,415,736, C>T on the plus strand (G>A on the coding strand, the complement: MYH7 is on the minus strand). VCF-style: chr14-23415736-C-T. GRCh37 (hg19) VCF-style: chr14-23884945-C-T.
Other names: c.5050G>A, p.Glu1684Lys (NM_001407004.1); short protein forms E1684K.
Identifiers: ClinVar variation 4844333 (VCV004844333.1).